The following is an entry in ClinVar:

ClinVar aggregate classification (germline): Pathogenic (1 of 4 stars; one submission).

Conditions:
Neurofibromatosis, type 1 (NF1). Also called: VON RECKLINGHAUSEN DISEASE; Peripheral type neurofibromatosis; NEUROFIBROMATOSIS, TYPE I, SOMATIC; Neurofibromatosis, type I. Identifiers: Orphanet 636, MedGen C0027831, MONDO:0018975, OMIM 162200. Disease mechanism: loss of function.

Submission:

Labcorp Genetics (formerly Invitae), Labcorp
Classification: Pathogenic for Neurofibromatosis, type 1. Last evaluated: 2020-08-14. Review status: criteria provided, single submitter. Criteria: Invitae Variant Classification Sherloc (09022015). Collection method: clinical testing. Allele origin: germline.
Comment: For these reasons, this variant has been classified as Pathogenic. This variant is a gross deletion of the genomic region encompassing exon(s) 32-57 of the NF1 gene. The 5' boundary is likely confined to intron 31. The 3' end of this event is unknown as it extends through the termination codon beyond the assayed region for this gene and may encompass additional genes. While this deletion is not anticipated to result in nonsense mediated decay, it is expected to create a truncated protein product or disrupt mRNA translation. This variant has not been reported in the literature in individuals with NF1-related conditions. The region of the NF1 gene that includes exons 36-57 has been determined to be clinically significant (PMID: 10607834, 10980545, 24357598, 12807981, 26178382, Invitae). Therefore, deletions that encompass that region are likely to disrupt protein function and cause disease.

Literature cited by the submitters: PubMed 10607834; PubMed 10980545; PubMed 24357598; PubMed 12807981; PubMed 26178382.

NC_000017.10:g.(?_29586040)_(29701173_?)del

Genes: EVI2A (ecotropic viral integration site 2A; minus strand), EVI2B (ecotropic viral integration site 2B; minus strand), NF1 (neurofibromin 1; plus strand), OMG (oligodendrocyte myelin glycoprotein; minus strand). Cytogenetic location: 17q11.2.
Variant type: Deletion.
Identifiers: ClinVar variation 1070146 (VCV001070146.3).